The following is an entry in ClinVar:

ClinVar aggregate classification (germline): Conflicting classifications of pathogenicity. Review status: criteria provided, conflicting classifications (1 of 4 stars). 5 submissions from 5 submitters: Uncertain significance (3); Likely benign (2). Last evaluated 2025-05-21.

Conditions:
OTUD5-related disorder. Also called: OTUD5-related condition.
Multiple congenital anomalies-neurodevelopmental syndrome, X-linked. Also called: LINKED SYNDROME. Identifiers: MedGen C5542341, MONDO:0025351, OMIM 301056.
Inborn genetic diseases. Identifiers: MedGen C0950123, MeSH D030342.

Allele frequency attached by ClinVar (database versions not stated): TOPMed 0.00012; gnomAD exomes 0.00029; gnomAD 0.00034; 1000 Genomes Project 0.00132; 1000 Genomes Project 30x 0.00146.

Submissions (5):

PreventionGenetics, part of Exact Sciences
Classification: Uncertain significance for OTUD5-related condition. Last evaluated: 2025-05-21. Review status: criteria provided, single submitter. Criteria: ACMG Guidelines, 2015. Collection method: clinical testing. Allele origin: germline.
Comment: The OTUD5 c.58C>A variant is predicted to result in the amino acid substitution p.Pro20Thr. To our knowledge, this variant has not been reported in the literature. This variant is reported in 0.0% of alleles in individuals of African descent in gnomAD. At this time, the clinical significance of this variant is uncertain due to the absence of conclusive functional and genetic evidence.

Blueprint Genetics
Classification: Likely benign. Last evaluated: 2024-11-06. Review status: criteria provided, single submitter. Criteria: ACMG Guidelines, 2015. Collection method: clinical testing. Allele origin: germline.

CeGaT Center for Human Genetics Tuebingen
Classification: Likely benign. Last evaluated: 2024-07-01. Review status: criteria provided, single submitter. Criteria: CeGaT Center For Human Genetics Tuebingen Variant Classification Criteria Version 2. Collection method: clinical testing. Allele origin: germline. Affected: yes. Observed: 2 variant alleles.
Comment: OTUD5: PP2, BS2

Ambry Genetics
Classification: Uncertain significance for Inborn genetic diseases. Last evaluated: 2023-04-05. Review status: criteria provided, single submitter. Criteria: Ambry Variant Classification Scheme 2023. Collection method: clinical testing. Allele origin: germline.

Neuberg Centre For Genomic Medicine, NCGM
Classification: Uncertain significance for Multiple congenital anomalies-neurodevelopmental syndrome, X-linked. Review status: criteria provided, single submitter. Criteria: ACMG Guidelines, 2015. Collection method: clinical testing. Allele origin: germline. Inheritance: X-linked recessive inheritance. Affected: yes.
Comment: The observed missense variant c.58C>Ap.Pro20Thr in OTUD5 gene has not been reported previously as a pathogenic variant nor as a benign variant, to our knowledge. The p.Pro20Thr variant is reported with 0.01% allele frequency in gnomAD Exomes. The amino acid Pro at position 20 is changed to a Thr changing protein sequence and it might alter its composition and physico-chemical properties. Multiple lines of computational evidence Polyphen-Benign, SIFT-Tolerated and Mutation Taster-Polymorphic predict no damaging effect on protein structure and function for this variant. The reference amino acid p.Pro20Thr in OTUD5 is predicted as conserved by GERP++. For these reasons, this variant has been classified as Uncertain Significance.

NM_001136157.2(OTUD5):c.58C>A (p.Pro20Thr)

Gene: OTUD5 (OTU deubiquitinase 5; minus strand). Cytogenetic location: Xp11.23.
Variant type: single nucleotide variant.
Coding change: c.58C>A on transcript NM_001136157.2 (MANE Select); coding-DNA position 58, C replaced by A.
Protein change: p.Pro20Thr; replaces proline 20 with threonine.
Molecular consequence: missense variant. On other transcripts: intron variant (1).
Genome position (GRCh38, 1-based): chrX:48,957,513, G>T on the plus strand (C>A on the coding strand, the complement: OTUD5 is on the minus strand). VCF-style: chrX-48957513-G-T. GRCh37 (hg19) VCF-style: chrX-48814775-G-T.
Other names: c.58C>A, p.Pro20Thr (NM_001136158.2, NM_017602.4); c.-58+719C>A (NM_001136159.2); short protein forms P20T.
Identifiers: ClinVar variation 2524659 (VCV002524659.30), dbSNP rs782153790, ClinGen allele CA10406633.